The following is an entry in ClinVar:

NM_001330691.3(CEP78):c.957+5A>G

Gene: CEP78 (centrosomal protein 78; plus strand). Cytogenetic location: 9q21.2.
Variant type: single nucleotide variant.
Coding change: c.957+5A>G on transcript NM_001330691.3 (MANE Select); 5 bases into the intron after coding-DNA position 957, A replaced by G.
Molecular consequence: intron variant.
Genome position (GRCh38, 1-based): chr9:78,248,360, A>G. VCF-style: chr9-78248360-A-G. GRCh37 (hg19) VCF-style: chr9-80863276-A-G.
Other names: c.957+5A>G (NM_001349839.2, NM_001349840.2, NM_001330693.3 and 4 more transcripts).
Identifiers: ClinVar variation 966289 (VCV000966289.8), dbSNP rs202072645, ClinGen allele CA5095089.

ClinVar aggregate classification (germline): Conflicting classifications of pathogenicity. Review status: criteria provided, conflicting classifications (1 of 4 stars). 2 submissions from 2 submitters: Uncertain significance (1); Likely benign (1). Last evaluated 2024-11-03.

Conditions:
CEP78-related disorder. Also called: CEP78-related condition.

Allele frequency attached by ClinVar (database versions not stated): ExAC 0.00002; gnomAD exomes 0.00005 and 0.00006; gnomAD 0.00006; TOPMed 0.00007; ESP Exome Variant Server 0.00008.
gnomAD v4.1: 89 of 1,536,068 alleles (0.0058%); highest among the groups gnomAD compares: Non-Finnish European, 0.0076%; no homozygotes.

Submissions (2):

PreventionGenetics, part of Exact Sciences
Classification: Likely benign for CEP78-related condition. Last evaluated: 2024-11-03. Review status: criteria provided, single submitter. Criteria: ACMG Guidelines, 2015. Collection method: clinical testing. Allele origin: germline.
Comment: This variant is classified as likely benign based on ACMG/AMP sequence variant interpretation guidelines (Richards et al. 2015 PMID: 25741868, with internal and published modifications).

Labcorp Genetics (formerly Invitae), Labcorp
Classification: Uncertain significance. Last evaluated: 2023-07-14. Review status: criteria provided, single submitter. Criteria: Invitae Variant Classification Sherloc (09022015). Collection method: clinical testing. Allele origin: germline.
Comment: This variant has not been reported in the literature in individuals affected with CEP78-related conditions. In summary, the available evidence is currently insufficient to determine the role of this variant in disease. Therefore, it has been classified as a Variant of Uncertain Significance. Variants that disrupt the consensus splice site are a relatively common cause of aberrant splicing (PMID: 17576681, 9536098). Algorithms developed to predict the effect of sequence changes on RNA splicing suggest that this variant is not likely to affect RNA splicing. ClinVar contains an entry for this variant (Variation ID: 966289). The frequency data for this variant in the population databases is considered unreliable, as metrics indicate poor data quality at this position in the gnomAD database. This sequence change falls in intron 7 of the CEP78 gene. It does not directly change the encoded amino acid sequence of the CEP78 protein. It affects a nucleotide within the consensus splice site.

Literature cited by the submitters: PubMed 17576681 (cited by Labcorp Genetics (formerly Invitae), Labcorp); PubMed 9536098 (cited by Labcorp Genetics (formerly Invitae), Labcorp).